The following is an entry in ClinVar:

NM_001365088.1(SLC12A6):c.695T>C (p.Met232Thr)

Gene: SLC12A6 (solute carrier family 12 member 6; minus strand). Cytogenetic location: 15q14.
Variant type: single nucleotide variant.
Coding change: c.695T>C on transcript NM_001365088.1 (MANE Select); coding-DNA position 695, T replaced by C.
Protein change: p.Met232Thr; replaces methionine 232 with threonine.
Molecular consequence: missense variant.
Genome position (GRCh38, 1-based): chr15:34,256,279, A>G on the plus strand (T>C on the coding strand, the complement: SLC12A6 is on the minus strand). VCF-style: chr15-34256279-A-G. GRCh37 (hg19) VCF-style: chr15-34548480-A-G.
Other names: c.518T>C, p.Met173Thr (NM_001042494.2, NM_001042495.2); c.668T>C, p.Met223Thr (NM_001042496.2); c.650T>C, p.Met217Thr (NM_001042497.2); c.542T>C, p.Met181Thr (NM_005135.2); c.695T>C, p.Met232Thr (NM_133647.2); c.695T>C (NM_133647.1); short protein forms M173T, M232T, M217T, M223T, M181T.
Identifiers: ClinVar variation 1357467 (VCV001357467.9), dbSNP rs2140734870, ClinGen allele CA391611464.
Genomic context (GRCh38, chr15:34,256,279, plus strand): 5'-ACCTACTAACCTGGCACCACTCCATTAGTGGCAATGGCACTCATGGAGATAGCAGTCAAC[A>G]TTGTCTGCAGAGAAAAGGAAAGGAGAGGATTGTTACTGTGTAAAGATGACATTTCTATAC-3'
Protein context (NP_001352017.1, residues 222-242): AIVLICCCCT[Met232Thr]LTAISMSAIA

ClinVar aggregate classification (germline): Uncertain significance. Review status: criteria provided, multiple submitters, no conflicts (2 of 4 stars). 2 submissions from 2 submitters: Uncertain significance (2). Last evaluated 2022-06-24.

Conditions:
Inborn genetic diseases. Identifiers: MedGen C0950123, MeSH D030342.

Submissions (2):

Ambry Genetics
Classification: Uncertain significance for Inborn genetic diseases. Last evaluated: 2022-06-24. Review status: criteria provided, single submitter. Criteria: Ambry Variant Classification Scheme 2023. Collection method: clinical testing. Allele origin: germline.

Labcorp Genetics (formerly Invitae), Labcorp
Classification: Uncertain significance. Last evaluated: 2021-05-30. Review status: criteria provided, single submitter. Criteria: Invitae Variant Classification Sherloc (09022015). Collection method: clinical testing. Allele origin: germline.
Comment: In summary, the available evidence is currently insufficient to determine the role of this variant in disease. Therefore, it has been classified as a Variant of Uncertain Significance. Advanced modeling of protein sequence and biophysical properties (such as structural, functional, and spatial information, amino acid conservation, physicochemical variation, residue mobility, and thermodynamic stability) performed at Invitae indicates that this missense variant is not expected to disrupt SLC12A6 protein function. This variant has not been reported in the literature in individuals with SLC12A6-related conditions. This variant is not present in population databases (ExAC no frequency). This sequence change replaces methionine with threonine at codon 232 of the SLC12A6 protein (p.Met232Thr). The methionine residue is moderately conserved and there is a moderate physicochemical difference between methionine and threonine.